The following is an entry in ClinVar:

NM_001127392.3(MYRF):c.2595G>A (p.Ser865=)

Gene: MYRF (myelin regulatory factor; plus strand). Cytogenetic location: 11q12.2.
Variant type: single nucleotide variant.
Coding change: c.2595G>A on transcript NM_001127392.3 (MANE Select); coding-DNA position 2595, G replaced by A.
Protein change: p.Ser865=; no amino-acid change (serine 865 retained).
Molecular consequence: synonymous variant.
Genome position (GRCh38, 1-based): chr11:61,781,160, G>A. VCF-style: chr11-61781160-G-A. GRCh37 (hg19) VCF-style: chr11-61548632-G-A.
Other names: c.2490G>A, p.Ser830= (NM_013279.4).
Identifiers: ClinVar variation 3033828 (VCV003033828.3), dbSNP rs147865358, ClinGen allele CA6038215.

ClinVar aggregate classification (germline): Likely benign. Review status: criteria provided, single submitter (1 of 4 stars). 2 submissions from 2 submitters: Likely benign (1). 1 of the submissions does not count toward it. Last evaluated 2024-11-27.

Conditions:
MYRF-related disorder. Also called: MYRF-related disorders; MYRF-related condition.

Allele frequency attached by ClinVar (database versions not stated): gnomAD 0.00031; ExAC 0.00037; ESP Exome Variant Server 0.00038; TOPMed 0.00042; 1000 Genomes Project 0.00060; 1000 Genomes Project 30x 0.00062.
gnomAD v4.1: 540 of 1,613,678 alleles (0.033%); highest among the groups gnomAD compares: Middle Eastern, 0.79%; 2 homozygotes.

Submissions (2):

Blueprint Genetics
Classification: Likely benign. Last evaluated: 2024-11-27. Review status: criteria provided, single submitter. Criteria: ACMG Guidelines, 2015. Collection method: clinical testing. Allele origin: germline.

PreventionGenetics, part of Exact Sciences
Classification: Likely benign for MYRF-related condition. Last evaluated: 2019-06-21. Review status: no assertion criteria provided. Collection method: clinical testing. Allele origin: germline. Not counted in ClinVar's aggregate classification.
Comment: This variant is classified as likely benign based on ACMG/AMP sequence variant interpretation guidelines (Richards et al. 2015 PMID: 25741868, with internal and published modifications).